The following is an entry in ClinVar:

NM_032888.4(COL27A1):c.530G>T (p.Arg177Leu)

Gene: COL27A1 (collagen type XXVII alpha 1 chain; plus strand). Cytogenetic location: 9q32.
Variant type: single nucleotide variant.
Coding change: c.530G>T on transcript NM_032888.4 (MANE Select); coding-DNA position 530, G replaced by T.
Protein change: p.Arg177Leu; replaces arginine 177 with leucine.
Molecular consequence: missense variant.
Genome position (GRCh38, 1-based): chr9:114,168,085, G>T. VCF-style: chr9-114168085-G-T. GRCh37 (hg19) VCF-style: chr9-116930365-G-T.
Other names: short protein forms R177L.
Identifiers: ClinVar variation 1387646 (VCV001387646.6), dbSNP rs750487305, ClinGen allele CA374590255.

ClinVar aggregate classification (germline): Uncertain significance (1 of 4 stars; one submission).

Submission:

Labcorp Genetics (formerly Invitae), Labcorp
Classification: Uncertain significance. Last evaluated: 2021-10-17. Review status: criteria provided, single submitter. Criteria: Invitae Variant Classification Sherloc (09022015). Collection method: clinical testing. Allele origin: germline.
Comment: This sequence change replaces arginine with leucine at codon 177 of the COL27A1 protein (p.Arg177Leu). The arginine residue is weakly conserved and there is a moderate physicochemical difference between arginine and leucine. This variant is not present in population databases (ExAC no frequency). This variant has not been reported in the literature in individuals affected with COL27A1-related conditions. Advanced modeling of protein sequence and biophysical properties (such as structural, functional, and spatial information, amino acid conservation, physicochemical variation, residue mobility, and thermodynamic stability) performed at Invitae indicates that this missense variant is not expected to disrupt COL27A1 protein function. In summary, the available evidence is currently insufficient to determine the role of this variant in disease. Therefore, it has been classified as a Variant of Uncertain Significance.